The following is an entry in ClinVar:

ClinVar aggregate classification (germline): Uncertain significance. Review status: criteria provided, multiple submitters, no conflicts (2 of 4 stars). 2 submissions from 2 submitters: Uncertain significance (2). Last evaluated 2024-09-20.

Conditions:
Myopathy, centronuclear, 5 (CNM5). Identifiers: Orphanet 169186, MedGen C4014814, MONDO:0014418, OMIM 615959.

Allele frequency attached by ClinVar (database versions not stated): gnomAD exomes below 0.00001.
gnomAD v4.1: 2 of 1,401,034 alleles (0.00014%); highest among the groups gnomAD compares: Non-Finnish European, 0.00018%; no homozygotes.

Submissions (2):

Revvity Omics, Revvity
Classification: Uncertain significance for Myopathy, centronuclear, 5. Last evaluated: 2024-09-20. Review status: criteria provided, single submitter. Criteria: ACMG Guidelines, 2015. Collection method: clinical testing. Allele origin: germline.

Labcorp Genetics (formerly Invitae), Labcorp
Classification: Uncertain significance. Last evaluated: 2022-03-01. Review status: criteria provided, single submitter. Criteria: Invitae Variant Classification Sherloc (09022015). Collection method: clinical testing. Allele origin: germline.
Comment: Algorithms developed to predict the effect of missense changes on protein structure and function (SIFT, PolyPhen-2, Align-GVGD) all suggest that this variant is likely to be tolerated. In summary, the available evidence is currently insufficient to determine the role of this variant in disease. Therefore, it has been classified as a Variant of Uncertain Significance. This variant has not been reported in the literature in individuals affected with SPEG-related conditions. This variant is not present in population databases (gnomAD no frequency). This sequence change replaces serine, which is neutral and polar, with asparagine, which is neutral and polar, at codon 560 of the SPEG protein (p.Ser560Asn).

NM_005876.5(SPEG):c.1679G>A (p.Ser560Asn)

Gene: SPEG (striated muscle enriched protein kinase; plus strand). Cytogenetic location: 2q35.
Variant type: single nucleotide variant.
Coding change: c.1679G>A on transcript NM_005876.5 (MANE Select); coding-DNA position 1679, G replaced by A.
Protein change: p.Ser560Asn; replaces serine 560 with asparagine.
Molecular consequence: missense variant.
Genome position (GRCh38, 1-based): chr2:219,448,837, G>A. VCF-style: chr2-219448837-G-A. GRCh37 (hg19) VCF-style: chr2-220313559-G-A.
Other names: short protein forms S560N.
Identifiers: ClinVar variation 1932442 (VCV001932442.6), dbSNP rs2545470640, ClinGen allele CA350722899.
Genomic context (GRCh38, chr2:219,448,837, plus strand): 5'-CCACCCCCAAGACATCGCGGGCCGTGAGCCCCGCCGCCGCCCAGCCGCCCTCTCCGAGCA[G>A]CGCGGAGAAGCCGGGGGACGAGCCTGGGAGGCCCAGGAGCCGCGGGCCGGCGGGCAGGAC-3'
Protein context (NP_005867.3, residues 550-570): PAAAQPPSPS[Ser560Asn]AEKPGDEPGR